The following is an entry in ClinVar:

ClinVar aggregate classification (germline): Conflicting classifications of pathogenicity. Review status: criteria provided, conflicting classifications (1 of 4 stars). 6 submissions from 6 submitters: Uncertain significance (5); Likely benign (1). Last evaluated 2025-11-24.

Conditions:
Arrhythmogenic right ventricular dysplasia 8 (ARVD8). Also called: Arrhythmogenic Right Ventricular Dysplasia/Cardiomyopathy 8; ARRHYTHMOGENIC RIGHT VENTRICULAR DYSPLASIA, FAMILIAL, 8; ARRHYTHMOGENIC RIGHT VENTRICULAR CARDIOMYOPATHY 8. Identifiers: MedGen C1843896, MONDO:0011831, OMIM 607450.
Lethal acantholytic epidermolysis bullosa (EBLA). Identifiers: Orphanet 158687, MedGen C1864826, MONDO:0012323, OMIM 609638.
Woolly hair-skin fragility syndrome (WHSF). Identifiers: Orphanet 293165, MedGen C1843292, MONDO:0957307, OMIM 620415.
Keratosis palmoplantaris striata 2. Also called: KERATODERMA, PALMOPLANTAR, STRIATE FORM II; STRIATE PALMOPLANTAR KERATODERMA II; Keratosis palmoplantaris striata II. Identifiers: MedGen C1852127, MONDO:0013034, OMIM 612908.
Arrhythmogenic cardiomyopathy with wooly hair and keratoderma. Also called: Arrhythmogenic cardiomyopathy with woolly hair and keratoderma; Carvajal syndrome; Dilated cardiomyopathy with woolly hair and keratoderma; PALMOPLANTAR KERATODERMA WITH LEFT VENTRICULAR CARDIOMYOPATHY AND WOOLLY HAIR. Identifiers: Orphanet 65282, MedGen C1854063, MONDO:0011581, OMIM 605676.
Cardiomyopathy, dilated, with wooly hair, keratoderma, and tooth agenesis. Also called: Cardiomyopathy, dilated, with woolly hair, keratoderma, and tooth agenesis; Erythrokeratodermia-cardiomyopathy syndrome. Identifiers: Orphanet 476096, Orphanet 65282, MedGen C4014393, MONDO:0014355, OMIM 615821.
Cardiomyopathy (CMYO). Also called: Cardiomyopathies. Identifiers: Orphanet 167848, MedGen C0878544, MONDO:0004994, HP:0001638. Inheritance: Various modes of inheritance.
Cardiovascular phenotype. Identifiers: MedGen CN230736.

Allele frequency attached by ClinVar (database versions not stated): gnomAD exomes below 0.00001 and 0.00001; ExAC 0.00001; gnomAD 0.00001.
gnomAD v4.1: 15 of 1,614,056 alleles (0.00093%); highest among the groups gnomAD compares: East Asian, 0.0022%; no homozygotes.

Submissions (6):

Ambry Genetics
Classification: Uncertain significance for Cardiovascular phenotype. Last evaluated: 2025-11-24. Review status: criteria provided, single submitter. Criteria: Ambry Variant Classification Scheme 2023. Collection method: clinical testing. Allele origin: germline.
Comment: The p.R103Q variant (also known as c.308G>A), located in coding exon 3 of the DSP gene, results from a G to A substitution at nucleotide position 308. The arginine at codon 103 is replaced by glutamine, an amino acid with highly similar properties. This amino acid position is not well conserved in available vertebrate species. In addition, this alteration is predicted to be tolerated by in silico analysis. Based on the available evidence, the clinical significance of this variant remains unclear.

Color Diagnostics, LLC DBA Color Health
Classification: Uncertain significance for Cardiomyopathy. Last evaluated: 2024-05-23. Review status: criteria provided, single submitter. Criteria: ACMG Guidelines, 2015. Collection method: clinical testing. Allele origin: germline.
Comment: This missense variant replaces arginine with glutamine at codon 103 of the DSP protein. Computational prediction suggests that this variant may not impact protein structure and function. To our knowledge, functional studies have not been reported for this variant. This variant has not been reported in individuals affected with DSP-related disorders in the literature. This variant has been identified in 2/282876 chromosomes in the general population by the Genome Aggregation Database (gnomAD). The available evidence is insufficient to determine the role of this variant in disease conclusively. Therefore, this variant is classified as a Variant of Uncertain Significance.

Labcorp Genetics (formerly Invitae), Labcorp
Classification: Likely benign for Arrhythmogenic cardiomyopathy with wooly hair and keratoderma; Arrhythmogenic right ventricular dysplasia 8. Last evaluated: 2024-03-11. Review status: criteria provided, single submitter. Criteria: Invitae Variant Classification Sherloc (09022015). Collection method: clinical testing. Allele origin: germline.

Fulgent Genetics
Classification: Uncertain significance for Arrhythmogenic cardiomyopathy with wooly hair and keratoderma; Arrhythmogenic right ventricular dysplasia 8; Lethal acantholytic epidermolysis bullosa; Keratosis palmoplantaris striata 2; Cardiomyopathy, dilated, with wooly hair, keratoderma, and tooth agenesis. Last evaluated: 2021-07-23. Review status: criteria provided, single submitter. Criteria: ACMG Guidelines, 2015. Collection method: clinical testing. Allele origin: unknown.

GeneDx
Classification: Uncertain significance. Last evaluated: 2020-10-20. Review status: criteria provided, single submitter. Criteria: GeneDx Variant Classification Process June 2021. Collection method: clinical testing. Allele origin: germline. Affected: yes.
Comment: Has not been previously published as pathogenic or benign to our knowledge; Identified in other individuals referred for cardiomyopathy genetic testing at GeneDx; however, one of these proband harbored a pathogenic variant in another cardiomyopathy-related gene; Reported in ClinVar as a variant of uncertain significance (ClinVar Variant ID# 975011; Landrum et al., 2016); Not observed at a significant frequency in large population cohorts (Lek et al., 2016); In silico analysis, which includes protein predictors and evolutionary conservation, supports that this variant does not alter protein structure/function

Women's Health and Genetics/Laboratory Corporation of America, LabCorp
Classification: Uncertain significance. Last evaluated: 2020-07-27. Review status: criteria provided, single submitter. Criteria: LabCorp Variant Classification Summary - May 2015. Collection method: clinical testing. Allele origin: germline.
Comment: Variant summary: DSP c.308G>A (p.Arg103Gln) results in a conservative amino acid change in the encoded protein sequence. Five of five in-silico tools predict a benign effect of the variant on protein function. The variant allele was found at a frequency of 4e-06 in 251476 control chromosomes. The available data on variant occurrences in the general population are insufficient to allow any conclusion about variant significance. To our knowledge, no occurrence of c.308G>A in individuals affected with Arrhythmogenic Right Ventricular Dysplasia/Cardiomyopathy and no experimental evidence demonstrating its impact on protein function have been reported. At-least one co-occurrence with another pathogenic variant has been reported at our laboratory (PKP2 c.1579delC, p.Leu527*), providing supporting evidence for a benign role. No clinical diagnostic laboratories have submitted clinical-significance assessments for this variant to ClinVar after 2014. Based on the evidence outlined above, the variant was classified as uncertain significance.

NM_004415.4(DSP):c.308G>A (p.Arg103Gln)

Gene: DSP (desmoplakin; plus strand). Cytogenetic location: 6p24.3.
Variant type: single nucleotide variant.
Coding change: c.308G>A on transcript NM_004415.4 (MANE Select); coding-DNA position 308, G replaced by A.
Protein change: p.Arg103Gln; replaces arginine 103 with glutamine.
Molecular consequence: missense variant.
Genome position (GRCh38, 1-based): chr6:7,558,150, G>A. VCF-style: chr6-7558150-G-A. GRCh37 (hg19) VCF-style: chr6-7558383-G-A.
Other names: c.308G>A, p.Arg103Gln (NM_001008844.3, NM_001319034.2); short protein forms R103Q.
Identifiers: ClinVar variation 975011 (VCV000975011.18), dbSNP rs775015862, ClinGen allele CA037103.